The following is an entry in ClinVar:

ClinVar aggregate classification (germline): Uncertain significance (1 of 4 stars; one submission).

Submission:

Labcorp Genetics (formerly Invitae), Labcorp
Classification: Uncertain significance. Last evaluated: 2026-01-15. Review status: criteria provided, single submitter. Criteria: Invitae Variant Classification Sherloc (09022015). Collection method: clinical testing. Allele origin: germline.
Comment: This sequence change replaces alanine, which is neutral and non-polar, with valine, which is neutral and non-polar, at codon 1390 of the MAGI2 protein (p.Ala1390Val). The frequency data for this variant in the population databases is considered unreliable, as metrics indicate insufficient coverage at this position in the gnomAD database. This variant has not been reported in the literature in individuals affected with MAGI2-related conditions. An algorithm developed to predict the effect of missense changes on protein structure and function outputs the following: PolyPhen-2: "Not Available". The valine amino acid residue is found in multiple mammalian species, which suggests that this missense change does not adversely affect protein function. In summary, the available evidence is currently insufficient to determine the role of this variant in disease. Therefore, it has been classified as a Variant of Uncertain Significance.

NM_012301.4(MAGI2):c.4169C>T (p.Ala1390Val)

Gene: MAGI2 (membrane associated guanylate kinase, WW and PDZ domain containing 2; minus strand). Cytogenetic location: 7q21.11.
Variant type: single nucleotide variant.
Coding change: c.4169C>T on transcript NM_012301.4 (MANE Select); coding-DNA position 4169, C replaced by T.
Protein change: p.Ala1390Val; replaces alanine 1390 with valine.
Molecular consequence: missense variant.
Genome position (GRCh38, 1-based): chr7:78,019,514, G>A on the plus strand (C>T on the coding strand, the complement: MAGI2 is on the minus strand). VCF-style: chr7-78019514-G-A. GRCh37 (hg19) VCF-style: chr7-77648831-G-A.
Other names: c.4127C>T, p.Ala1376Val (NM_001301128.2); short protein forms A1390V, A1376V.
Identifiers: ClinVar variation 4708765 (VCV004708765.1).
Genomic context (GRCh38, chr7:78,019,514, plus strand): 5'-GCGCGCGCACCCGCCCTGCCCTCGGCCTCCAGCGCGCCGCTGCCGCCGCCGCCCGGGCCG[G>A]CAAACGCCGGCGCAGCCCCCGGGCCTTCGCGCCGGCAGAGCTCGGAGCCCGCCGCCGCAC-3'
Protein context (NP_036433.2, residues 1380-1400): REGPGAAPAF[Ala1390Val]GPGGGGSGAL